The following is an entry in ClinVar:

ClinVar aggregate classification (germline): Uncertain significance. Review status: criteria provided, multiple submitters, no conflicts (2 of 4 stars). 2 submissions from 2 submitters: Uncertain significance (2). Last evaluated 2024-05-30.

Conditions:
Primary ciliary dyskinesia 28. Also called: CILIARY DYSKINESIA, PRIMARY, 28, WITH OR WITHOUT SITUS INVERSUS. Identifiers: Orphanet 244, MedGen C3809706, MONDO:0014216, OMIM 615505.
Primary ciliary dyskinesia. Also called: Ciliary dyskinesia. Identifiers: Orphanet 244, MedGen C0008780, MONDO:0016575, HP:0012265.

Allele frequency attached by ClinVar (database versions not stated): gnomAD 0.00001 and 0.00002; gnomAD exomes 0.00002 and 0.00003; TOPMed 0.00003; ExAC 0.00004.
gnomAD v4.1: 43 of 1,585,698 alleles (0.0027%); highest among the groups gnomAD compares: South Asian, 0.0035%; no homozygotes.

Submissions (3):

Ambry Genetics
Classification: Uncertain significance for Primary ciliary dyskinesia. Last evaluated: 2024-05-30. Review status: criteria provided, single submitter. Criteria: Ambry Variant Classification Scheme 2023. Collection method: clinical testing. Allele origin: germline.
Comment: The p.V761L variant (also known as c.2281G>T) is located in coding exon 17 of the SPAG1 gene. The valine at codon 761 is replaced by leucine, an amino acid with highly similar properties. This change occurs in the first base pair of coding exon 17. This amino acid position is conserved. In addition, this alteration is predicted to be tolerated by in silico analysis. Based on the available evidence, the clinical significance of this variant remains unclear.

Labcorp Genetics (formerly Invitae), Labcorp
Classification: Uncertain significance for Primary ciliary dyskinesia 28. Last evaluated: 2022-02-24. Review status: criteria provided, single submitter. Criteria: Invitae Variant Classification Sherloc (09022015). Collection method: clinical testing. Allele origin: germline.
Comment: This sequence change replaces valine, which is neutral and non-polar, with leucine, which is neutral and non-polar, at codon 761 of the SPAG1 protein (p.Val761Leu). This variant is present in population databases (rs758568364, gnomAD 0.004%). This variant has not been reported in the literature in individuals affected with SPAG1-related conditions. Algorithms developed to predict the effect of missense changes on protein structure and function are either unavailable or do not agree on the potential impact of this missense change (SIFT: "Deleterious"; PolyPhen-2: "Probably Damaging"; Align-GVGD: "Class C0"). Algorithms developed to predict the effect of sequence changes on RNA splicing suggest that this variant may disrupt the consensus splice site. In summary, the available evidence is currently insufficient to determine the role of this variant in disease. Therefore, it has been classified as a Variant of Uncertain Significance.

Dr. Peter K. Rogan Lab, Western University
No classification provided (evidence only). Condition: Lymphoma. Review status: no classification provided. Collection method: in vitro. Allele origin: not applicable. Functional consequence: retained intron. Not counted in ClinVar's aggregate classification.

NM_003114.5(SPAG1):c.2281G>T (p.Val761Leu)

Gene: SPAG1 (sperm associated antigen 1; plus strand). Cytogenetic location: 8q22.2.
Variant type: single nucleotide variant.
Coding change: c.2281G>T on transcript NM_003114.5 (MANE Select); coding-DNA position 2281, G replaced by T.
Protein change: p.Val761Leu; replaces valine 761 with leucine.
Molecular consequence: missense variant.
Genome position (GRCh38, 1-based): chr8:100,240,403, G>T. VCF-style: chr8-100240403-G-T. GRCh37 (hg19) VCF-style: chr8-101252631-G-T.
Other names: c.2281G>T (NM_172218.2); c.2281G>T, p.Val761Leu (NM_001374321.1, NM_172218.3); short protein forms V761L.
Identifiers: ClinVar variation 1481401 (VCV001481401.6), dbSNP rs758568364, ClinGen allele CA4827720.